The following is an entry in ClinVar:

ClinVar aggregate classification (germline): Uncertain significance (1 of 4 stars; one submission).

Submission:

Labcorp Genetics (formerly Invitae), Labcorp
Classification: Uncertain significance. Last evaluated: 2025-12-16. Review status: criteria provided, single submitter. Criteria: Invitae Variant Classification Sherloc (09022015). Collection method: clinical testing. Allele origin: germline.
Comment: This sequence change replaces phenylalanine, which is neutral and non-polar, with cysteine, which is neutral and slightly polar, at codon 63 of the SIX2 protein (p.Phe63Cys). This variant is not present in population databases (gnomAD no frequency). This variant has not been reported in the literature in individuals affected with SIX2-related conditions. Invitae Evidence Modeling of protein sequence and biophysical properties (such as structural, functional, and spatial information, amino acid conservation, physicochemical variation, residue mobility, and thermodynamic stability) indicates that this missense variant is expected to disrupt SIX2 protein function with a positive predictive value of 80%. In summary, the available evidence is currently insufficient to determine the role of this variant in disease. Therefore, it has been classified as a Variant of Uncertain Significance.

NM_016932.5(SIX2):c.188T>G (p.Phe63Cys)

Gene: SIX2 (SIX homeobox 2; minus strand). Cytogenetic location: 2p21.
Variant type: single nucleotide variant.
Coding change: c.188T>G on transcript NM_016932.5 (MANE Select); coding-DNA position 188, T replaced by G.
Protein change: p.Phe63Cys; replaces phenylalanine 63 with cysteine.
Molecular consequence: missense variant.
Genome position (GRCh38, 1-based): chr2:45,008,923, A>C on the plus strand (T>G on the coding strand, the complement: SIX2 is on the minus strand). VCF-style: chr2-45008923-A-C. GRCh37 (hg19) VCF-style: chr2-45236062-A-C.
Other names: short protein forms F63C.
Identifiers: ClinVar variation 4745321 (VCV004745321.1).